The following is an entry in ClinVar:

NM_002907.4(RECQL):c.1217G>C (p.Gly406Ala)

Gene: RECQL (RecQ like helicase; minus strand). Cytogenetic location: 12p12.1.
Variant type: single nucleotide variant.
Coding change: c.1217G>C on transcript NM_002907.4 (MANE Select); coding-DNA position 1217, G replaced by C.
Protein change: p.Gly406Ala; replaces glycine 406 with alanine.
Molecular consequence: missense variant.
Genome position (GRCh38, 1-based): chr12:21,474,979, C>G on the plus strand (G>C on the coding strand, the complement: RECQL is on the minus strand). VCF-style: chr12-21474979-C-G. GRCh37 (hg19) VCF-style: chr12-21627913-C-G.
Other names: c.1217G>C, p.Gly406Ala (NM_032941.3); short protein forms G406A.
Identifiers: ClinVar variation 3222928 (VCV003222928.1), dbSNP rs1464107006, ClinGen allele CA384119020.
Genomic context (GRCh38, chr12:21,474,979, plus strand): 5'-ATTCTGAATATATCTCCAAAGCCGTAGTACAAAATACAGTCTGCTTTCATGTCATCTCGA[C>G]CTGTGGTGTGAGAAACCTTGAGATTGCAGAATTACATTTACAAATTCAAAATATGCAAAA-3'
Protein context (NP_002898.2, residues 396-416): ENYYQESGRA[Gly406Ala]RDDMKADCIL

ClinVar aggregate classification (germline): Uncertain significance (1 of 4 stars; one submission).

Submission:

Ambry Genetics
Classification: Uncertain significance. Last evaluated: 2023-09-29. Review status: criteria provided, single submitter. Criteria: Ambry Variant Classification Scheme 2023. Collection method: clinical testing. Allele origin: germline.
Comment: The p.G406A variant (also known as c.1217G>C) is located in coding exon 10 of the RECQL gene. The glycine at codon 406 is replaced by alanine, an amino acid with similar properties. This change occurs in the first base pair of coding exon 10. This amino acid position is conserved. In addition, this alteration is predicted to be deleterious by in silico analysis. Since supporting evidence is limited at this time, the clinical significance of this alteration remains unclear.